The following is an entry in ClinVar:

ClinVar aggregate classification (germline): Pathogenic/Likely pathogenic. Review status: criteria provided, multiple submitters, no conflicts (2 of 4 stars). 16 submissions from 16 submitters: Pathogenic (10); Likely pathogenic (2). 4 of the submissions do not count toward it. Last evaluated 2026-01-28.

Conditions:
SUMF1-related disorder. Also called: SUMF1-related condition.
Multiple sulfatase deficiency (MSD). Also called: Multiple Sulfatase Deficiency Disease; Mucosulfatidosis; Sulfatidosis, Juvenile, Austin Type. Identifiers: Orphanet 585, MedGen C0268263, MONDO:0010088, OMIM 272200.

Allele frequency attached by ClinVar (database versions not stated): ExAC 0.00004; gnomAD exomes 0.00008 and 0.00004; TOPMed 0.00006; gnomAD 0.00007 and 0.00009.
gnomAD v4.1: 83 of 1,614,052 alleles (0.0051%); highest among the groups gnomAD compares: Non-Finnish European, 0.0012%; no homozygotes.

Submissions (16):

Labcorp Genetics (formerly Invitae), Labcorp
Classification: Pathogenic for Multiple sulfatase deficiency. Last evaluated: 2026-01-28. Review status: criteria provided, single submitter. Criteria: Invitae Variant Classification Sherloc (09022015). Collection method: clinical testing. Allele origin: germline.
Comment: This sequence change replaces serine, which is neutral and polar, with proline, which is neutral and non-polar, at codon 155 of the SUMF1 protein (p.Ser155Pro). This variant is present in population databases (rs137852850, gnomAD 0.2%). This missense change has been observed in individual(s) with multiple sulfatase deficiency (PMID: 12757706, 16125993, 21224894, 25885655, 27344646). ClinVar contains an entry for this variant (Variation ID: 2672). Invitae Evidence Modeling of protein sequence and biophysical properties (such as structural, functional, and spatial information, amino acid conservation, physicochemical variation, residue mobility, and thermodynamic stability) indicates that this missense variant is expected to disrupt SUMF1 protein function with a positive predictive value of 95%. Experimental studies have shown that this missense change affects SUMF1 function (PMID: 15146462, 17657823, 21224894). For these reasons, this variant has been classified as Pathogenic.

Natera, Inc.
Classification: Likely pathogenic for Multiple sulfatase deficiency. Last evaluated: 2026-01-16. Review status: criteria provided, single submitter. Criteria: Natera Variant Classification Schema (03/2026). Collection method: clinical testing. Allele origin: germline.
Comment: The c.463T>C variant in SUMF1 is a missense variant predicted to cause substitution of serine to proline at amino acid 155. The frequency of this variant in the general population is greater than expected for disorder. This variant has been observed in one or more individuals affected with the associated recessive disease, as either homozygous or compound heterozygous with a second variant (PMID: 16125993, 12757706, 27344646, 25885655). Functional studies show that this variant may disrupt protein function (PMID: 17657823, 39169621). Computational prediction algorithms indicate this variant is likely to affect gene or protein function. Given the available evidence, this variant is classified as Likely Pathogenic.

Variantyx, Inc.
Classification: Likely pathogenic for Multiple sulfatase deficiency. Last evaluated: 2025-06-30. Review status: criteria provided, single submitter. Criteria: Variantyx Assertion Criteria 2022. Collection method: clinical testing. Allele origin: germline. Inheritance: Autosomal recessive inheritance. Affected: no.
Comment: This is a nonsynonymous variant in the SUMF1 gene (OMIM: 607939). Pathogenic variants in this gene have been associated with autosomal recessive multiple sulfatase deficiency. This variant has been identified in the homozygous or compound heterozygous state in at least 8 individuals reported in the published literature (PMID: 12757706, 25885655) (PM3). Functional studies have shown that this variant alters SUMF1 protein function (PMID: 15146462, 17657823, 21224894) (PS3), and multiple computational algorithms predict a deleterious effect for this variant (REVEL score: 0.93) (PP3). This variant has a 0.0012% maximum allele frequency in non-founder control populations (PM2). Based on the current evidence, this variant is classified as likely pathogenic for autosomal recessive multiple sulfatase deficiency.No other variant of clinical significance was identified in the SUMF1 gene.

Revvity Omics, Revvity
Classification: Pathogenic for Multiple sulfatase deficiency. Last evaluated: 2024-06-03. Review status: criteria provided, single submitter. Criteria: ACMG Guidelines, 2015. Collection method: clinical testing. Allele origin: germline.

Fulgent Genetics
Classification: Pathogenic for Multiple sulfatase deficiency. Last evaluated: 2024-02-07. Review status: criteria provided, single submitter. Criteria: ACMG Guidelines, 2015. Collection method: clinical testing. Allele origin: germline.

CeGaT Center for Human Genetics Tuebingen
Classification: Pathogenic. Last evaluated: 2024-01-01. Review status: criteria provided, single submitter. Criteria: CeGaT Center For Human Genetics Tuebingen Variant Classification Criteria Version 2. Collection method: clinical testing. Allele origin: germline. Affected: yes. Observed: 1 variant allele.
Comment: SUMF1: PM3:Strong, PM2, PM5, PP4, PS3:Supporting

Blueprint Genetics
Classification: Pathogenic for SUMF1-related disorders. Last evaluated: 2023-08-22. Review status: criteria provided, single submitter. Criteria: ACMG Guidelines, 2015. Collection method: clinical testing. Allele origin: germline. Affected: yes. Observed: 4 variant alleles.

GeneDx
Classification: Pathogenic. Last evaluated: 2022-10-14. Review status: criteria provided, single submitter. Criteria: GeneDx Variant Classification Process June 2021. Collection method: clinical testing. Allele origin: germline. Affected: yes.
Comment: Published functional studies demonstrate a damaging effect with impaired enzymatic activity compared to wildtype (Cosma et al., 2004; Shlotawa et al., 2011); This variant is associated with the following publications: (PMID: 18305113, 29479672, 29048999, 21224894, 12757706, 15146462, 29972788, 29899769, 27344646, 31980526, 31589614)

Genome-Nilou Lab
Classification: Pathogenic for Multiple sulfatase deficiency. Last evaluated: 2021-09-05. Review status: criteria provided, single submitter. Criteria: ACMG Guidelines, 2015. Collection method: clinical testing. Allele origin: germline. Affected: no.

Mayo Clinic Laboratories, Mayo Clinic
Classification: Pathogenic. Last evaluated: 2019-09-30. Review status: criteria provided, single submitter. Criteria: ACMG Guidelines, 2015. Collection method: clinical testing. Allele origin: germline. Observed: 1 variant allele.
Comment: PS3, PS4_moderate, PM2, PP4, PP5

Women's Health and Genetics/Laboratory Corporation of America, LabCorp
Classification: Pathogenic for Multiple sulfatase deficiency. Last evaluated: 2017-03-02. Review status: criteria provided, single submitter. Criteria: LabCorp Variant Classification Summary - May 2015. Collection method: clinical testing. Allele origin: germline.
Comment: Variant summary: The SUMF1 c.463T>C (p.Ser155Pro) variant involves the alteration of a conserved nucleotide. 3/4 in silico tools predict a damaging outcome for this variant (SNPs&GO not captured due to low reliability index). This variant was found in 5/121384 control chromosomes at a frequency of 0.0000412, which does not exceed the estimated maximal expected allele frequency of a pathogenic SUMF1 variant (0.001118). The variant was reported in numerous affected individuals in the literature in both the homozygous and compound heterozygous state, and functional evidence has showed patients have a drastic reduction in sulfatase activity compared to wild-type. In addition, multiple clinical diagnostic laboratories/reputable databases classified this variant as pathogenic/likely pathogenic. Taken together, this variant is classified as pathogenic.

Eurofins Ntd Llc (ga)
Classification: Pathogenic. Last evaluated: 2013-09-18. Review status: criteria provided, single submitter. Criteria: EGL Classification Definitions 2015. Collection method: clinical testing. Allele origin: germline. Observed: 1 variant allele, 1 homozygote.

Counsyl
Classification: Likely pathogenic for Multiple sulfatase deficiency. Last evaluated: 2016-10-18. Review status: no assertion criteria provided. Collection method: clinical testing. Allele origin: unknown. Not counted in ClinVar's aggregate classification.

OMIM
Classification: Pathogenic for MULTIPLE SULFATASE DEFICIENCY. Last evaluated: 2011-03-01. Review status: no assertion criteria provided. Collection method: literature only. Allele origin: germline. Not counted in ClinVar's aggregate classification.

Department of Pathology and Laboratory Medicine, Sinai Health System
Classification: Likely pathogenic. Review status: no assertion criteria provided. Collection method: clinical testing. Allele origin: unknown. Affected: yes. Study: The Canadian Open Genetics Repository (COGR). Not counted in ClinVar's aggregate classification.

GeneReviews
No classification provided. Condition: Multiple sulfatase deficiency. Review status: no classification provided. Collection method: literature only. Allele origin: germline. Not counted in ClinVar's aggregate classification.

Literature cited by the submitters: PubMed 12757706 (cited by 8 submitters); PubMed 16125993 (cited by 5 submitters); PubMed 21224894 (cited by 7 submitters); PubMed 25885655 (cited by 5 submitters); PubMed 27344646 (cited by 3 submitters); PubMed 15146462 (cited by 4 submitters); PubMed 17657823 (cited by 5 submitters); PubMed 39169621 (cited by Natera, Inc.); PubMed 15907468 (cited by Mayo Clinic Laboratories, Mayo Clinic and Counsyl); PubMed 27415407 (cited by Mayo Clinic Laboratories, Mayo Clinic and Counsyl); NCBI Bookshelf NBK538937 (cited by GeneReviews); PubMed 30896912 (cited by GeneReviews).

NM_182760.4(SUMF1):c.463T>C (p.Ser155Pro)

Gene: SUMF1 (sulfatase modifying factor 1; minus strand). Cytogenetic location: 3p26.1.
Variant type: single nucleotide variant.
Coding change: c.463T>C on transcript NM_182760.4 (MANE Select); coding-DNA position 463, T replaced by C.
Protein change: p.Ser155Pro; replaces serine 155 with proline.
Molecular consequence: missense variant. On other transcripts: intron variant (1).
Genome position (GRCh38, 1-based): chr3:4,449,322, A>G on the plus strand (T>C on the coding strand, the complement: SUMF1 is on the minus strand). VCF-style: chr3-4449322-A-G. GRCh37 (hg19) VCF-style: chr3-4491006-A-G.
Other names: c.463T>C, p.Ser155Pro (NM_001164675.2); c.444+3554T>C (NM_001164674.2); short protein forms S155P.
Identifiers: ClinVar variation 2672 (VCV000002672.54), dbSNP rs137852850, ClinGen allele CA115675.